The following is an entry in ClinVar:

NM_014915.3(ANKRD26):c.452A>T (p.His151Leu)

Gene: ANKRD26 (ankyrin repeat domain containing 26; minus strand). Cytogenetic location: 10p12.1.
Variant type: single nucleotide variant.
Coding change: c.452A>T on transcript NM_014915.3 (MANE Select); coding-DNA position 452, A replaced by T.
Protein change: p.His151Leu; replaces histidine 151 with leucine.
Molecular consequence: missense variant.
Genome position (GRCh38, 1-based): chr10:27,093,428, T>A on the plus strand (A>T on the coding strand, the complement: ANKRD26 is on the minus strand). VCF-style: chr10-27093428-T-A. GRCh37 (hg19) VCF-style: chr10-27382357-T-A.
Other names: c.452A>T, p.His151Leu (NM_001256053.2); short protein forms H151L.
Identifiers: ClinVar variation 3913611 (VCV003913611.1).

ClinVar aggregate classification (germline): Uncertain significance (1 of 4 stars; one submission).

Conditions:
Inborn genetic diseases. Identifiers: MedGen C0950123, MeSH D030342.

Submission:

Ambry Genetics
Classification: Uncertain significance for Inborn genetic diseases. Last evaluated: 2025-04-08. Review status: criteria provided, single submitter. Criteria: Ambry Variant Classification Scheme 2023. Collection method: clinical testing. Allele origin: germline.
Comment: The p.H151L variant (also known as c.452A>T), located in coding exon 3 of the ANKRD26 gene, results from an A to T substitution at nucleotide position 452. The histidine at codon 151 is replaced by leucine, an amino acid with similar properties. This amino acid position is conserved. In addition, this alteration is predicted to be deleterious by in silico analysis. Based on the available evidence, the clinical significance of this variant remains unclear.